The following is an entry in ClinVar:

ClinVar aggregate classification (germline): Uncertain significance (1 of 4 stars; one submission).

Conditions:
DZIP1L-related disorder. Also called: DZIP1L-related condition.

gnomAD v4.1: 3 of 1,606,038 alleles (0.00019%); highest among the groups gnomAD compares: East Asian, 0.0022%; no homozygotes.

Submission:

PreventionGenetics, part of Exact Sciences
Classification: Uncertain significance for DZIP1L-related condition. Last evaluated: 2024-10-24. Review status: criteria provided, single submitter. Criteria: ACMG Guidelines, 2015. Collection method: clinical testing. Allele origin: germline.
Comment: The DZIP1L c.350C>A variant is predicted to result in the amino acid substitution p.Thr117Asn. To our knowledge, this variant has not been reported in the literature. This variant is reported in 0.0056% of alleles in individuals of East Asian descent in gnomAD. At this time, the clinical significance of this variant is uncertain due to the absence of conclusive functional and genetic evidence.

NM_173543.3(DZIP1L):c.350C>A (p.Thr117Asn)

Gene: DZIP1L (DAZ interacting zinc finger protein 1 like; minus strand). Cytogenetic location: 3q22.3.
Variant type: single nucleotide variant.
Coding change: c.350C>A on transcript NM_173543.3 (MANE Select); coding-DNA position 350, C replaced by A.
Protein change: p.Thr117Asn; replaces threonine 117 with asparagine.
Molecular consequence: missense variant.
Genome position (GRCh38, 1-based): chr3:138,103,622, G>T on the plus strand (C>A on the coding strand, the complement: DZIP1L is on the minus strand). VCF-style: chr3-138103622-G-T. GRCh37 (hg19) VCF-style: chr3-137822464-G-T.
Other names: c.350C>A, p.Thr117Asn (NM_001170538.1); short protein forms T117N.
Identifiers: ClinVar variation 4977244 (VCV004977244.1).
Genomic context (GRCh38, chr3:138,103,622, plus strand): 5'-TTGAGCTCGTCAGCCTGGCGTCCCAGCTCCTGCTGACCACGCTGCTGCTGGCCCAGGCTG[G>T]TCTGCAGCCGTGCCTCCAGCTGGGCAACACTGGCACTCAGGCAATCCTGGCAGTGCAGCA-3'
Protein context (NP_775814.2, residues 107-127): SVAQLEARLQ[Thr117Asn]SLGQQQRGQQ